The following is an entry in ClinVar:

ClinVar aggregate classification (germline): Pathogenic (1 of 4 stars; one submission).

Conditions:
Fanconi-Bickel syndrome (FBS). Also called: PSEUDO-PHLORIZIN DIABETES; Glycogen storage disease due to GLUT2 deficiency; FANCONI SYNDROME WITH INTESTINAL MALABSORPTION AND GALACTOSE INTOLERANCE; HEPATIC GLYCOGENOSIS WITH AMINO ACIDURIA AND GLUCOSURIA; HEPATIC GLYCOGENOSIS WITH FANCONI NEPHROPATHY; HEPATORENAL GLYCOGENOSIS WITH RENAL FANCONI SYNDROME. Identifiers: Orphanet 2088, MedGen C3495427, MONDO:0009216, OMIM 227810.

Submission:

Labcorp Genetics (formerly Invitae), Labcorp
Classification: Pathogenic for Fanconi-Bickel syndrome. Last evaluated: 2022-01-05. Review status: criteria provided, single submitter. Criteria: Invitae Variant Classification Sherloc (09022015). Collection method: clinical testing. Allele origin: germline.
Comment: For these reasons, this variant has been classified as Pathogenic. This variant has not been reported in the literature in individuals affected with SLC2A2-related conditions. This variant is a gross deletion of the genomic region encompassing exon(s) 4 of the SLC2A2 gene. This deletion is out-of-frame, and is expected to create a premature termination codon and result in an absent or disrupted protein product. Loss-of-function variants in SLC2A2 are known to be pathogenic (PMID: 11810292).

Literature cited by the submitters: PubMed 11810292.

NC_000003.11:g.(?_170727727)_(170727891_?)del

Gene: SLC2A2 (solute carrier family 2 member 2; minus strand). Cytogenetic location: 3q26.2.
Variant type: Deletion.
Identifiers: ClinVar variation 1434311 (VCV001434311.5).